The following is an entry in ClinVar:

ClinVar aggregate classification (germline): Uncertain significance (1 of 4 stars; one submission).

Conditions:
Hereditary cancer-predisposing syndrome. Also called: Hereditary neoplastic syndrome; Hereditary Cancer Syndrome; Neoplastic Syndromes, Hereditary; Tumor predisposition. Identifiers: Orphanet 140162, MedGen C0027672, MeSH D009386, MONDO:0015356.

Allele frequency attached by ClinVar (database versions not stated): gnomAD exomes 0.00001.
gnomAD v4.1: 3 of 1,614,190 alleles (0.00019%); highest among the groups gnomAD compares: Non-Finnish European, 0.00025%; no homozygotes.

Submission:

Ambry Genetics
Classification: Uncertain significance for Hereditary cancer-predisposing syndrome. Last evaluated: 2023-04-03. Review status: criteria provided, single submitter. Criteria: Ambry Variant Classification Scheme 2023. Collection method: clinical testing. Allele origin: germline.
Comment: The p.T226I variant (also known as c.677C>T), located in coding exon 4 of the PALB2 gene, results from a C to T substitution at nucleotide position 677. The threonine at codon 226 is replaced by isoleucine, an amino acid with similar properties. This amino acid position is conserved. In addition, this alteration is predicted to be tolerated by in silico analysis. Since supporting evidence is limited at this time, the clinical significance of this alteration remains unclear.

NM_024675.4(PALB2):c.677C>T (p.Thr226Ile)

Gene: PALB2 (partner and localizer of BRCA2; minus strand). Cytogenetic location: 16p12.2.
Variant type: single nucleotide variant.
Coding change: c.677C>T on transcript NM_024675.4 (MANE Select); coding-DNA position 677, C replaced by T.
Protein change: p.Thr226Ile; replaces threonine 226 with isoleucine.
Molecular consequence: missense variant. On other transcripts: 5 prime UTR variant (8), intron variant (3).
Genome position (GRCh38, 1-based): chr16:23,635,869, G>A on the plus strand (C>T on the coding strand, the complement: PALB2 is on the minus strand). VCF-style: chr16-23635869-G-A. GRCh37 (hg19) VCF-style: chr16-23647190-G-A.
Other names: c.617C>T, p.Thr206Ile (NM_001407296.1); c.677C>T, p.Thr226Ile (NM_001407297.1, NM_001407298.1, NM_001407299.1 and 3 more transcripts); c.-209C>T (NM_001407304.1, NM_001407305.1, NM_001407306.1 and 5 more transcripts); c.48+5241C>T (NM_001407314.1); c.-105+5241C>T (NM_001407313.1, NM_001407312.1); short protein forms T206I, T226I.
Identifiers: ClinVar variation 2567565 (VCV002567565.2), dbSNP rs1967029792, ClinGen allele CA395136429.